The following is an entry in ClinVar:

ClinVar aggregate classification (germline): Uncertain significance (1 of 4 stars; one submission).

Allele frequency attached by ClinVar (database versions not stated): gnomAD exomes below 0.00001.
gnomAD v4.1: 2 of 1,613,770 alleles (0.00012%); highest among the groups gnomAD compares: Non-Finnish European, 0.000085%; no homozygotes.

Submission:

Labcorp Genetics (formerly Invitae), Labcorp
Classification: Uncertain significance. Last evaluated: 2024-12-16. Review status: criteria provided, single submitter. Criteria: Invitae Variant Classification Sherloc (09022015). Collection method: clinical testing. Allele origin: germline.
Comment: This sequence change replaces cysteine, which is neutral and slightly polar, with tryptophan, which is neutral and slightly polar, at codon 3531 of the ADGRV1 protein (p.Cys3531Trp). This variant is not present in population databases (gnomAD no frequency). This variant has not been reported in the literature in individuals affected with ADGRV1-related conditions. ClinVar contains an entry for this variant (Variation ID: 1047539). Invitae Evidence Modeling of protein sequence and biophysical properties (such as structural, functional, and spatial information, amino acid conservation, physicochemical variation, residue mobility, and thermodynamic stability) indicates that this missense variant is not expected to disrupt ADGRV1 protein function with a negative predictive value of 95%. In summary, the available evidence is currently insufficient to determine the role of this variant in disease. Therefore, it has been classified as a Variant of Uncertain Significance.

NM_032119.4(ADGRV1):c.10593C>G (p.Cys3531Trp)

Gene: ADGRV1 (adhesion G protein-coupled receptor V1; plus strand). Cytogenetic location: 5q14.3.
Variant type: single nucleotide variant.
Coding change: c.10593C>G on transcript NM_032119.4 (MANE Select); coding-DNA position 10593, C replaced by G.
Protein change: p.Cys3531Trp; replaces cysteine 3531 with tryptophan.
Molecular consequence: missense variant. On other transcripts: non-coding transcript variant (1).
Genome position (GRCh38, 1-based): chr5:90,745,089, C>G. VCF-style: chr5-90745089-C-G. GRCh37 (hg19) VCF-style: chr5-90040906-C-G.
Other names: short protein forms C3531W.
Identifiers: ClinVar variation 1047539 (VCV001047539.7), dbSNP rs1754459447, ClinGen allele CA360407674.